The following is an entry in ClinVar:

ClinVar aggregate classification (germline): Uncertain significance. Review status: criteria provided, multiple submitters, no conflicts (2 of 4 stars). 3 submissions from 3 submitters: Uncertain significance (3). Last evaluated 2024-09-18.

Allele frequency attached by ClinVar (database versions not stated): gnomAD exomes 0.00001; ExAC 0.00006; ESP Exome Variant Server 0.00008; TOPMed 0.00015; 1000 Genomes Project 30x 0.00016; gnomAD 0.00019; 1000 Genomes Project 0.00020.
gnomAD v4.1: 47 of 1,614,206 alleles (0.0029%); highest among the groups gnomAD compares: African/African-American, 0.056%; no homozygotes.

Submissions (3):

GeneDx
Classification: Uncertain significance. Last evaluated: 2024-09-18. Review status: criteria provided, single submitter. Criteria: GeneDx Variant Classification Process June 2021. Collection method: clinical testing. Allele origin: germline. Affected: yes.
Comment: In silico analysis supports that this missense variant has a deleterious effect on protein structure/function; Has not been previously published as pathogenic or benign to our knowledge

Blueprint Genetics
Classification: Uncertain significance. Last evaluated: 2023-10-02. Review status: criteria provided, single submitter. Criteria: ACMG Guidelines, 2015. Collection method: clinical testing. Allele origin: germline.

Labcorp Genetics (formerly Invitae), Labcorp
Classification: Uncertain significance. Last evaluated: 2022-08-06. Review status: criteria provided, single submitter. Criteria: Invitae Variant Classification Sherloc (09022015). Collection method: clinical testing. Allele origin: germline.
Comment: This variant has not been reported in the literature in individuals affected with LAMA1-related conditions. This variant is present in population databases (rs376100751, gnomAD 0.07%). This sequence change replaces threonine, which is neutral and polar, with isoleucine, which is neutral and non-polar, at codon 2979 of the LAMA1 protein (p.Thr2979Ile). Algorithms developed to predict the effect of missense changes on protein structure and function (SIFT, PolyPhen-2, Align-GVGD) all suggest that this variant is likely to be tolerated. In summary, the available evidence is currently insufficient to determine the role of this variant in disease. Therefore, it has been classified as a Variant of Uncertain Significance.

NM_005559.4(LAMA1):c.8936C>T (p.Thr2979Ile)

Gene: LAMA1 (laminin subunit alpha 1; minus strand). Cytogenetic location: 18p11.31.
Variant type: single nucleotide variant.
Coding change: c.8936C>T on transcript NM_005559.4 (MANE Select); coding-DNA position 8936, C replaced by T.
Protein change: p.Thr2979Ile; replaces threonine 2979 with isoleucine.
Molecular consequence: missense variant.
Genome position (GRCh38, 1-based): chr18:6,943,311, G>A on the plus strand (C>T on the coding strand, the complement: LAMA1 is on the minus strand). VCF-style: chr18-6943311-G-A. GRCh37 (hg19) VCF-style: chr18-6943310-G-A.
Other names: c.8936C>T (NM_005559.3); short protein forms T2979I.
Identifiers: ClinVar variation 2178149 (VCV002178149.6), dbSNP rs376100751, ClinGen allele CA8880300.